The following is an entry in ClinVar:

ClinVar aggregate classification (germline): Uncertain significance (1 of 4 stars; one submission).

Conditions:
Holoprosencephaly 9 (HPE9). Also called: HOLOPROSENCEPHALY WITH MICROPHTHALMIA AND FIRST BRANCHIAL ARCH ANOMALIES; PITUITARY ANOMALIES WITH HOLOPROSENCEPHALY-LIKE FEATURES. Identifiers: Orphanet 2162, MedGen C1835819, MONDO:0012563, OMIM 610829.
Postaxial polydactyly-anterior pituitary anomalies-facial dysmorphism syndrome. Also called: Culler-Jones syndrome. Identifiers: Orphanet 420584, MedGen C4014479, MONDO:0014369, OMIM 615849.

gnomAD v4.1: 16 of 1,333,404 alleles (0.0012%); highest among the groups gnomAD compares: East Asian, 0.0037%; no homozygotes.

Submission:

Labcorp Genetics (formerly Invitae), Labcorp
Classification: Uncertain significance for Postaxial polydactyly-anterior pituitary anomalies-facial dysmorphism syndrome; Holoprosencephaly 9. Last evaluated: 2025-03-01. Review status: criteria provided, single submitter. Criteria: Invitae Variant Classification Sherloc (09022015). Collection method: clinical testing. Allele origin: germline.
Comment: This sequence change replaces alanine, which is neutral and non-polar, with threonine, which is neutral and polar, at codon 956 of the GLI2 protein (p.Ala956Thr). The frequency data for this variant in the population databases is considered unreliable, as metrics indicate poor data quality at this position in the gnomAD database. This variant has not been reported in the literature in individuals affected with GLI2-related conditions. An algorithm developed to predict the effect of missense changes on protein structure and function outputs the following: PolyPhen-2: "Benign". The threonine amino acid residue is found in multiple mammalian species, which suggests that this missense change does not adversely affect protein function. In summary, the available evidence is currently insufficient to determine the role of this variant in disease. Therefore, it has been classified as a Variant of Uncertain Significance.

NM_001374353.1(GLI2):c.2815G>A (p.Ala939Thr)

Gene: GLI2 (GLI family zinc finger 2; plus strand). Cytogenetic location: 2q14.2.
Variant type: single nucleotide variant.
Coding change: c.2815G>A on transcript NM_001374353.1 (MANE Select); coding-DNA position 2815, G replaced by A.
Protein change: p.Ala939Thr; replaces alanine 939 with threonine.
Molecular consequence: missense variant.
Genome position (GRCh38, 1-based): chr2:120,988,780, G>A. VCF-style: chr2-120988780-G-A. GRCh37 (hg19) VCF-style: chr2-121746356-G-A.
Other names: c.2866G>A, p.Ala956Thr (NM_001371271.1, NM_005270.5); c.2440G>A, p.Ala814Thr (NM_001374354.1); short protein forms A956T, A814T, A939T.
Identifiers: ClinVar variation 4782611 (VCV004782611.1).